The following is an entry in ClinVar:

NM_032578.4(MYPN):c.2582C>T (p.Ala861Val)

Gene: MYPN (myopalladin; plus strand). Cytogenetic location: 10q21.3.
Variant type: single nucleotide variant.
Coding change: c.2582C>T on transcript NM_032578.4 (MANE Select); coding-DNA position 2582, C replaced by T.
Protein change: p.Ala861Val; replaces alanine 861 with valine.
Molecular consequence: missense variant. On other transcripts: non-coding transcript variant (1).
Genome position (GRCh38, 1-based): chr10:68,175,340, C>T. VCF-style: chr10-68175340-C-T. GRCh37 (hg19) VCF-style: chr10-69935097-C-T.
Other names: c.2582C>T, p.Ala861Val (NM_001256267.2); c.1700C>T, p.Ala567Val (NM_001256268.2); c.2582C>T (NM_032578.2); short protein forms A861V, A567V.
Identifiers: ClinVar variation 1974405 (VCV001974405.3), dbSNP rs769117339, ClinGen allele CA5522825.

ClinVar aggregate classification (germline): Conflicting classifications of pathogenicity. Review status: criteria provided, conflicting classifications (1 of 4 stars). 2 submissions from 2 submitters: Uncertain significance (1); Likely benign (1). Last evaluated 2024-12-21.

Conditions:
Cardiovascular phenotype. Identifiers: MedGen CN230736.
Dilated cardiomyopathy 1KK (CMD1KK). Identifiers: Orphanet 154, Orphanet 75249, MedGen C3714995, MONDO:0014100, OMIM 615248.

Allele frequency attached by ClinVar (database versions not stated): TOPMed below 0.00001; ExAC 0.00001; gnomAD 0.00001.
gnomAD v4.1: 9 of 1,613,526 alleles (0.00056%); highest among the groups gnomAD compares: African/African-American, 0.0013%; no homozygotes.

Submissions (2):

Ambry Genetics
Classification: Likely benign for Cardiovascular phenotype. Last evaluated: 2024-12-21. Review status: criteria provided, single submitter. Criteria: Ambry Variant Classification Scheme 2023. Collection method: clinical testing. Allele origin: germline.

Labcorp Genetics (formerly Invitae), Labcorp
Classification: Uncertain significance for Dilated cardiomyopathy 1KK. Last evaluated: 2022-07-15. Review status: criteria provided, single submitter. Criteria: Invitae Variant Classification Sherloc (09022015). Collection method: clinical testing. Allele origin: germline.
Comment: This sequence change replaces alanine, which is neutral and non-polar, with valine, which is neutral and non-polar, at codon 861 of the MYPN protein (p.Ala861Val). This variant is present in population databases (rs769117339, gnomAD 0.02%). This variant has not been reported in the literature in individuals affected with MYPN-related conditions. Algorithms developed to predict the effect of missense changes on protein structure and function output the following: SIFT: "Tolerated"; PolyPhen-2: "Benign"; Align-GVGD: "Class C0". The valine amino acid residue is found in multiple mammalian species, which suggests that this missense change does not adversely affect protein function. In summary, the available evidence is currently insufficient to determine the role of this variant in disease. Therefore, it has been classified as a Variant of Uncertain Significance.